The following is an entry in ClinVar:

NM_000038.6(APC):c.4738A>G (p.Ile1580Val)

Gene: APC (APC regulator of Wnt signaling pathway; plus strand). Cytogenetic location: 5q22.2.
Variant type: single nucleotide variant.
Coding change: c.4738A>G on transcript NM_000038.6 (MANE Select); coding-DNA position 4738, A replaced by G.
Protein change: p.Ile1580Val; replaces isoleucine 1580 with valine.
Molecular consequence: missense variant. On other transcripts: non-coding transcript variant (2).
Genome position (GRCh38, 1-based): chr5:112,840,332, A>G. VCF-style: chr5-112840332-A-G. GRCh37 (hg19) VCF-style: chr5-112176029-A-G.
Other names: c.4738A>G, p.Ile1580Val (NM_001127510.3, NM_001354895.2, NM_001407450.1); c.4684A>G, p.Ile1562Val (NM_001127511.3); c.4792A>G, p.Ile1598Val (NM_001354896.2, NM_001407447.1, NM_001407448.1 and 1 more transcripts); c.4768A>G, p.Ile1590Val (NM_001354897.2); c.4663A>G, p.Ile1555Val (NM_001354898.2); c.4654A>G, p.Ile1552Val (NM_001354899.2); c.4615A>G, p.Ile1539Val (NM_001354900.2); c.4561A>G, p.Ile1521Val (NM_001354901.2, NM_001407453.1); and 11 more; short protein forms I1196V, I1297V, I1420V, I1451V, I1454V, I1479V, I1489V, I1497V.
Identifiers: ClinVar variation 4802496 (VCV004802496.1).
Genomic context (GRCh38, chr5:112,840,332, plus strand): 5'-GAAAAGGACCTATTAGATGATTCAGATGATGATGATATTGAAATACTAGAAGAATGTATT[A>G]TTTCTGCCATGCCAACAAAGTCATCACGTAAAGCAAAAAAGCCAGCCCAGACTGCTTCAA-3'
Protein context (NP_000029.2, residues 1570-1590): DDIEILEECI[Ile1580Val]SAMPTKSSRK

ClinVar aggregate classification (germline): Uncertain significance (1 of 4 stars; one submission).

Conditions:
Familial adenomatous polyposis 1 (FAP1). Also called: FAMILIAL ADENOMATOUS POLYPOSIS 1, ATTENUATED; POLYPOSIS, ADENOMATOUS INTESTINAL. Identifiers: MedGen C2713442, MONDO:0021056, OMIM 175100. Disease mechanism: loss of function.

Submission:

Labcorp Genetics (formerly Invitae), Labcorp
Classification: Uncertain significance for Familial adenomatous polyposis 1. Last evaluated: 2025-08-01. Review status: criteria provided, single submitter. Criteria: Invitae Variant Classification Sherloc (09022015). Collection method: clinical testing. Allele origin: germline.
Comment: This sequence change replaces isoleucine, which is neutral and non-polar, with valine, which is neutral and non-polar, at codon 1580 of the APC protein (p.Ile1580Val). This variant is not present in population databases (gnomAD no frequency). This variant has not been reported in the literature in individuals affected with APC-related conditions. Invitae Evidence Modeling of protein sequence and biophysical properties (such as structural, functional, and spatial information, amino acid conservation, physicochemical variation, residue mobility, and thermodynamic stability) indicates that this missense variant is not expected to disrupt APC protein function with a negative predictive value of 95%. In summary, the available evidence is currently insufficient to determine the role of this variant in disease. Therefore, it has been classified as a Variant of Uncertain Significance.